The following is an entry in ClinVar:

ClinVar aggregate classification (germline): Likely pathogenic (1 of 4 stars; one submission).

Submission:

CeGaT Center for Human Genetics Tuebingen
Classification: Likely pathogenic. Last evaluated: 2023-01-01. Review status: criteria provided, single submitter. Criteria: CeGaT Center For Human Genetics Tuebingen Variant Classification Criteria Version 2. Collection method: clinical testing. Allele origin: germline. Affected: yes. Observed: 2 variant alleles.
Comment: IL2RG: PM2, PM5, PP4:Moderate

NM_000206.3(IL2RG):c.365T>A (p.Ile122Asn)

Gene: IL2RG (interleukin 2 receptor subunit gamma; minus strand). Cytogenetic location: Xq13.1.
Variant type: single nucleotide variant.
Coding change: c.365T>A on transcript NM_000206.3 (MANE Select); coding-DNA position 365, T replaced by A.
Protein change: p.Ile122Asn; replaces isoleucine 122 with asparagine.
Molecular consequence: missense variant.
Genome position (GRCh38, 1-based): chrX:71,110,593, A>T on the plus strand (T>A on the coding strand, the complement: IL2RG is on the minus strand). VCF-style: chrX-71110593-A-T. GRCh37 (hg19) VCF-style: chrX-70330443-A-T.
Other names: short protein forms I122N.
Identifiers: ClinVar variation 1335776 (VCV001335776.35), dbSNP rs2147750291, ClinGen allele CA413496721.
Genomic context (GRCh38, chrX:71,110,593, plus strand): 5'-GCCTGTCTCCTGGGTTCCCGTGGGTCCTGGAGCTGAACAACAAATGTTTGGTAGAGGTGG[A>T]TCTCCTTTTTTTGCAACTGACAGCCAGAAGTGATTTCTTCAGAGAATAGATAGTGGCTGC-3'
Protein context (NP_000197.1, residues 112-132): TSGCQLQKKE[Ile122Asn]HLYQTFVVQL